The following is an entry in ClinVar:

ClinVar aggregate classification (germline): Uncertain significance (1 of 4 stars; one submission).

Submission:

Labcorp Genetics (formerly Invitae), Labcorp
Classification: Uncertain significance. Last evaluated: 2021-04-18. Review status: criteria provided, single submitter. Criteria: Invitae Variant Classification Sherloc (09022015). Collection method: clinical testing. Allele origin: germline.
Comment: In summary, the available evidence is currently insufficient to determine the role of this variant in disease. Therefore, it has been classified as a Variant of Uncertain Significance. Algorithms developed to predict the effect of missense changes on protein structure and function (SIFT, PolyPhen-2, Align-GVGD) all suggest that this variant is likely to be disruptive, but these predictions have not been confirmed by published functional studies and their clinical significance is uncertain. This variant has not been reported in the literature in individuals with NEDD4L-related conditions. This variant is not present in population databases (ExAC no frequency). This sequence change replaces tryptophan with arginine at codon 534 of the NEDD4L protein (p.Trp534Arg). The tryptophan residue is highly conserved and there is a moderate physicochemical difference between tryptophan and arginine.

NM_001144967.3(NEDD4L):c.1660T>C (p.Trp554Arg)

Gene: NEDD4L (NEDD4 like E3 ubiquitin protein ligase; plus strand). Cytogenetic location: 18q21.31.
Variant type: single nucleotide variant.
Coding change: c.1660T>C on transcript NM_001144967.3 (MANE Select); coding-DNA position 1660, T replaced by C.
Protein change: p.Trp554Arg; replaces tryptophan 554 with arginine.
Molecular consequence: missense variant.
Genome position (GRCh38, 1-based): chr18:58,350,997, T>C. VCF-style: chr18-58350997-T-C. GRCh37 (hg19) VCF-style: chr18-56018229-T-C.
Other names: c.1297T>C, p.Trp433Arg (NM_001144964.1, NM_001144965.2, NM_001144966.3); c.1636T>C, p.Trp546Arg (NM_001144968.2); c.1576T>C, p.Trp526Arg (NM_001144969.2); c.1237T>C, p.Trp413Arg (NM_001144970.3, NM_001144971.2); c.1468T>C, p.Trp490Arg (NM_001243960.2); c.1600T>C, p.Trp534Arg (NM_015277.6); short protein forms W433R, W413R, W546R, W554R, W490R, W526R, W534R.
Identifiers: ClinVar variation 1464815 (VCV001464815.8), dbSNP rs2145604815, ClinGen allele CA402540793.
Genomic context (GRCh38, chr18:58,350,997, plus strand): 5'-GAACTCCTAGCTAATGTTTATATTTTCTCTCTCCCTTCCTTCCCCGGATACTAGCCTGGC[T>C]GGGAAGAAAGAATTCACTTGGATGGCCGAACGTTTTATATTGATCATAGTAAGTAGGCGC-3'
Protein context (NP_001138439.1, residues 544-564): PNDLGPLPPG[Trp554Arg]EERIHLDGRT